The following is an entry in ClinVar:

ClinVar aggregate classification (germline): Uncertain significance (1 of 4 stars; one submission).

Submission:

GeneDx
Classification: Uncertain significance. Last evaluated: 2024-03-04. Review status: criteria provided, single submitter. Criteria: GeneDx Variant Classification Process June 2021. Collection method: clinical testing. Allele origin: germline. Affected: yes.
Comment: Not observed at significant frequency in large population cohorts (gnomAD); In silico analysis supports that this missense variant has a deleterious effect on protein structure/function; Has not been previously published as pathogenic or benign to our knowledge

NM_004958.4(MTOR):c.3303G>T (p.Gln1101His)

Gene: MTOR (mechanistic target of rapamycin kinase; minus strand). Cytogenetic location: 1p36.22.
Variant type: single nucleotide variant.
Coding change: c.3303G>T on transcript NM_004958.4 (MANE Select); coding-DNA position 3303, G replaced by T.
Protein change: p.Gln1101His; replaces glutamine 1101 with histidine.
Molecular consequence: missense variant.
Genome position (GRCh38, 1-based): chr1:11,212,891, C>A on the plus strand (G>T on the coding strand, the complement: MTOR is on the minus strand). VCF-style: chr1-11212891-C-A. GRCh37 (hg19) VCF-style: chr1-11272948-C-A.
Other names: c.3303G>T, p.Gln1101His (NM_001386500.1); c.2055G>T, p.Gln685His (NM_001386501.1); short protein forms Q1101H, Q685H.
Identifiers: ClinVar variation 3369899 (VCV003369899.1).